The following is an entry in ClinVar:

ClinVar aggregate classification (germline): Uncertain significance (1 of 4 stars; one submission).

Conditions:
SEMA3F-related disorder. Also called: SEMA3F-related condition.

gnomAD v4.1: 1 of 1,608,662 alleles (0.000062%); highest among the groups gnomAD compares: African/African-American, 0.0013%; no homozygotes.

Submission:

PreventionGenetics, part of Exact Sciences
Classification: Uncertain significance for SEMA3F-related condition. Last evaluated: 2026-01-12. Review status: criteria provided, single submitter. Criteria: ACMG Guidelines, 2015. Collection method: clinical testing. Allele origin: germline.
Comment: The SEMA3F c.2176C>G variant is predicted to result in the amino acid substitution p.Pro726Ala. To our knowledge, this variant has not been reported in the literature. This variant is reported in 0.011% of alleles in individuals of African descent in gnomAD. At this time, the clinical significance of this variant is uncertain due to the absence of conclusive functional and genetic evidence.

NM_004186.5(SEMA3F):c.2176C>G (p.Pro726Ala)

Gene: SEMA3F (semaphorin 3F; plus strand). Cytogenetic location: 3p21.31.
Variant type: single nucleotide variant.
Coding change: c.2176C>G on transcript NM_004186.5 (MANE Select); coding-DNA position 2176, C replaced by G.
Protein change: p.Pro726Ala; replaces proline 726 with alanine.
Molecular consequence: missense variant.
Genome position (GRCh38, 1-based): chr3:50,187,933, C>G. VCF-style: chr3-50187933-C-G. GRCh37 (hg19) VCF-style: chr3-50225366-C-G.
Other names: c.1879C>G, p.Pro627Ala (NM_001318798.2); c.2083C>G, p.Pro695Ala (NM_001318800.2); short protein forms P627A, P726A, P695A.
Identifiers: ClinVar variation 4996776 (VCV004996776.1).